The following is an entry in ClinVar:

ClinVar aggregate classification (germline): Likely pathogenic (1 of 4 stars; one submission).

Conditions:
Autoimmune lymphoproliferative syndrome, type III caused by mutation in PRKCD. Identifiers: Orphanet 3261, Orphanet 664711, MedGen C3809928, MONDO:8000024, OMIM 615559.

Allele frequency attached by ClinVar (database versions not stated): gnomAD exomes below 0.00001; gnomAD 0.00001; TOPMed 0.00001.
gnomAD v4.1: 4 of 1,613,442 alleles (0.00025%); highest among the groups gnomAD compares: Non-Finnish European, 0.00034%; no homozygotes.

Submission:

Labcorp Genetics (formerly Invitae), Labcorp
Classification: Likely pathogenic for Autoimmune lymphoproliferative syndrome, type III caused by mutation in PRKCD. Last evaluated: 2018-11-03. Review status: criteria provided, single submitter. Criteria: Invitae Variant Classification Sherloc (09022015). Collection method: clinical testing. Allele origin: germline.
Comment: Algorithms developed to predict the effect of sequence changes on RNA splicing suggest that this variant may disrupt the consensus splice site, but this prediction has not been confirmed by published transcriptional studies. This sequence change affects an acceptor splice site in intron 9 of the PRKCD gene. It is expected to disrupt RNA splicing and likely results in an absent or disrupted protein product. This variant is not present in population databases (ExAC no frequency). This variant has not been reported in the literature in individuals with PRKCD-related disease. Donor and acceptor splice site variants typically lead to a loss of protein function (PMID: 16199547), and loss-of-function variants in PRKCD are known to be pathogenic (PMID: 11976687, 23319571, 23430113). In summary, the currently available evidence indicates that the variant is pathogenic, but additional data are needed to prove that conclusively. Therefore, this variant has been classified as Likely Pathogenic.

Literature cited by the submitters: PubMed 16199547; PubMed 11976687; PubMed 23319571; PubMed 23430113.

NM_006254.4(PRKCD):c.788-2A>G

Gene: PRKCD (protein kinase C delta; plus strand). Cytogenetic location: 3p21.1.
Variant type: single nucleotide variant.
Coding change: c.788-2A>G on transcript NM_006254.4 (MANE Select); the canonical splice acceptor site of the intron before coding-DNA position 788, A replaced by G.
Molecular consequence: splice acceptor variant.
Genome position (GRCh38, 1-based): chr3:53,184,872, A>G. VCF-style: chr3-53184872-A-G. GRCh37 (hg19) VCF-style: chr3-53218888-A-G.
Other names: c.788-2A>G (NM_001354680.2, NM_001354679.2, NM_212539.2 and 1 more transcripts); c.845-2A>G (NM_001354676.2); c.836-2A>G (NM_001354678.2).
Identifiers: ClinVar variation 541623 (VCV000541623.7), dbSNP rs1295207359, ClinGen allele CA353220286.